The following is an entry in ClinVar:

NM_001458.5(FLNC):c.3947A>G (p.Tyr1316Cys)

Gene: FLNC (filamin C; plus strand). Cytogenetic location: 7q32.1.
Variant type: single nucleotide variant.
Coding change: c.3947A>G on transcript NM_001458.5 (MANE Select); coding-DNA position 3947, A replaced by G.
Protein change: p.Tyr1316Cys; replaces tyrosine 1316 with cysteine.
Molecular consequence: missense variant.
Genome position (GRCh38, 1-based): chr7:128,846,146, A>G. VCF-style: chr7-128846146-A-G. GRCh37 (hg19) VCF-style: chr7-128486200-A-G.
Other names: c.3947A>G (NM_001458.4); c.3947A>G, p.Tyr1316Cys (NM_001127487.2); short protein forms Y1316C.
Identifiers: ClinVar variation 1366914 (VCV001366914.10), dbSNP rs2128936781, ClinGen allele CA369198788.
Genomic context (GRCh38, chr7:128,846,146, plus strand): 5'-CGGGGGCCAAGACAGACACCTATGTGACAGACAATGGGGACGGCACCTACCGAGTGCAGT[A>G]CACCGCCTACGAGGAGGGTGAGGGCCGGTGGGCCAGGCTAGTGGGCAGGGCTGGGCAAGT-3'
Protein context (NP_001449.3, residues 1306-1326): DNGDGTYRVQ[Tyr1316Cys]TAYEEGVHLV

ClinVar aggregate classification (germline): Uncertain significance. Review status: criteria provided, multiple submitters, no conflicts (2 of 4 stars). 2 submissions from 2 submitters: Uncertain significance (2). Last evaluated 2026-03-28.

Conditions:
Myofibrillar myopathy 5. Also called: Filaminopathy (type); FILAMINOPATHY, AUTOSOMAL DOMINANT. Identifiers: Orphanet 171445, MedGen C1836050, MONDO:0012289, OMIM 609524.
Distal myopathy with posterior leg and anterior hand involvement. Also called: WILLIAMS DISTAL MYOPATHY. Identifiers: Orphanet 63273, MedGen C3279722, MONDO:0013550, OMIM 614065.
Hypertrophic cardiomyopathy 26. Also called: Cardiomyopathy, familial hypertrophic, 26. Identifiers: Orphanet 75249, MedGen C4310749, MONDO:0014883, OMIM 617047.

Allele frequency attached by ClinVar (database versions not stated): gnomAD exomes below 0.00001.
gnomAD v4.1: 2 of 1,613,822 alleles (0.00012%); highest among the groups gnomAD compares: Non-Finnish European, 0.00017%; no homozygotes.

Submissions (2):

GeneDx
Classification: Uncertain significance. Last evaluated: 2026-03-28. Review status: criteria provided, single submitter. Criteria: GeneDx Variant Classification Process June 2021. Collection method: clinical testing. Allele origin: germline.
Comment: Not observed at significant frequency in large population cohorts (gnomAD); In silico analysis supports that this missense variant has a deleterious effect on protein structure/function; Has not been previously published as pathogenic or benign to our knowledge

Labcorp Genetics (formerly Invitae), Labcorp
Classification: Uncertain significance for Distal myopathy with posterior leg and anterior hand involvement; Myofibrillar myopathy 5; Hypertrophic cardiomyopathy 26. Last evaluated: 2023-10-06. Review status: criteria provided, single submitter. Criteria: Invitae Variant Classification Sherloc (09022015). Collection method: clinical testing. Allele origin: germline.
Comment: This sequence change replaces tyrosine, which is neutral and polar, with cysteine, which is neutral and slightly polar, at codon 1316 of the FLNC protein (p.Tyr1316Cys). This variant is not present in population databases (gnomAD no frequency). This variant has not been reported in the literature in individuals affected with FLNC-related conditions. ClinVar contains an entry for this variant (Variation ID: 1366914). Advanced modeling of protein sequence and biophysical properties (such as structural, functional, and spatial information, amino acid conservation, physicochemical variation, residue mobility, and thermodynamic stability) has been performed at Invitae for this missense variant, however the output from this modeling did not meet the statistical confidence thresholds required to predict the impact of this variant on FLNC protein function. In summary, the available evidence is currently insufficient to determine the role of this variant in disease. Therefore, it has been classified as a Variant of Uncertain Significance.